The following is an entry in ClinVar:

NM_002471.4(MYH6):c.1261G>A (p.Val421Met)

Gene: MYH6 (myosin heavy chain 6; minus strand). Cytogenetic location: 14q11.2.
Variant type: single nucleotide variant.
Coding change: c.1261G>A on transcript NM_002471.4 (MANE Select); coding-DNA position 1261, G replaced by A.
Protein change: p.Val421Met; replaces valine 421 with methionine.
Molecular consequence: missense variant.
Genome position (GRCh38, 1-based): chr14:23,400,858, C>T on the plus strand (G>A on the coding strand, the complement: MYH6 is on the minus strand). VCF-style: chr14-23400858-C-T. GRCh37 (hg19) VCF-style: chr14-23870067-C-T.
Other names: short protein forms V421M.
Identifiers: ClinVar variation 3627936 (VCV003627936.3).

ClinVar aggregate classification (germline): Conflicting classifications of pathogenicity. Review status: criteria provided, conflicting classifications (1 of 4 stars). 2 submissions from 2 submitters: Uncertain significance (1); Likely benign (1). Last evaluated 2024-10-15.

Conditions:
Hypertrophic cardiomyopathy 14. Identifiers: MedGen C2750467, MONDO:0013197, OMIM 613251.

Submissions (2):

Labcorp Genetics (formerly Invitae), Labcorp
Classification: Uncertain significance for Hypertrophic cardiomyopathy 14. Last evaluated: 2024-10-15. Review status: criteria provided, single submitter. Criteria: Invitae Variant Classification Sherloc (09022015). Collection method: clinical testing. Allele origin: germline.
Comment: This sequence change replaces valine, which is neutral and non-polar, with methionine, which is neutral and non-polar, at codon 421 of the MYH6 protein (p.Val421Met). This variant is present in population databases (rs200359124, gnomAD 0.05%), and has an allele count higher than expected for a pathogenic variant. This missense change has been observed in individual(s) with MYH6-related conditions (PMID: 35087879). Invitae Evidence Modeling of protein sequence and biophysical properties (such as structural, functional, and spatial information, amino acid conservation, physicochemical variation, residue mobility, and thermodynamic stability) indicates that this missense variant is expected to disrupt MYH6 protein function with a positive predictive value of 80%. In summary, the available evidence is currently insufficient to determine the role of this variant in disease. Therefore, it has been classified as a Variant of Uncertain Significance.

Blueprint Genetics
Classification: Likely benign. Last evaluated: 2022-08-01. Review status: criteria provided, single submitter. Criteria: ACMG Guidelines, 2015. Collection method: clinical testing. Allele origin: germline.

Literature cited by the submitters: PubMed 35087879 (cited by Labcorp Genetics (formerly Invitae), Labcorp).